The following is an entry in ClinVar:

NM_173689.7(CRB2):c.3149C>T (p.Pro1050Leu)

Gene: CRB2 (crumbs cell polarity complex component 2; plus strand). Cytogenetic location: 9q33.3.
Variant type: single nucleotide variant.
Coding change: c.3149C>T on transcript NM_173689.7 (MANE Select); coding-DNA position 3149, C replaced by T.
Protein change: p.Pro1050Leu; replaces proline 1050 with leucine.
Molecular consequence: missense variant. On other transcripts: non-coding transcript variant (1).
Genome position (GRCh38, 1-based): chr9:123,373,680, C>T. VCF-style: chr9-123373680-C-T. GRCh37 (hg19) VCF-style: chr9-126135959-C-T.
Other names: c.3149C>T (NM_173689.5); short protein forms P1050L.
Identifiers: ClinVar variation 1415554 (VCV001415554.7), dbSNP rs747787854, ClinGen allele CA5232367.

ClinVar aggregate classification (germline): Uncertain significance. Review status: criteria provided, multiple submitters, no conflicts (2 of 4 stars). 2 submissions from 2 submitters: Uncertain significance (2). Last evaluated 2023-05-15.

Conditions:
Inborn genetic diseases. Identifiers: MedGen C0950123, MeSH D030342.

Allele frequency attached by ClinVar (database versions not stated): gnomAD exomes 0.00001; TOPMed 0.00001; gnomAD 0.00002.
gnomAD v4.1: 24 of 1,461,706 alleles (0.0016%); highest among the groups gnomAD compares: East Asian, 0.0029%; no homozygotes.

Submissions (2):

Labcorp Genetics (formerly Invitae), Labcorp
Classification: Uncertain significance. Last evaluated: 2023-05-15. Review status: criteria provided, single submitter. Criteria: Invitae Variant Classification Sherloc (09022015). Collection method: clinical testing. Allele origin: germline.
Comment: In summary, the available evidence is currently insufficient to determine the role of this variant in disease. Therefore, it has been classified as a Variant of Uncertain Significance. Advanced modeling of protein sequence and biophysical properties (such as structural, functional, and spatial information, amino acid conservation, physicochemical variation, residue mobility, and thermodynamic stability) performed at Invitae indicates that this missense variant is not expected to disrupt CRB2 protein function. This sequence change replaces proline, which is neutral and non-polar, with leucine, which is neutral and non-polar, at codon 1050 of the CRB2 protein (p.Pro1050Leu). This variant is present in population databases (rs747787854, gnomAD 0.008%). This variant has not been reported in the literature in individuals affected with CRB2-related conditions. ClinVar contains an entry for this variant (Variation ID: 1415554).

Ambry Genetics
Classification: Uncertain significance for Inborn genetic diseases. Last evaluated: 2022-09-06. Review status: criteria provided, single submitter. Criteria: Ambry Variant Classification Scheme 2023. Collection method: clinical testing. Allele origin: germline.